The following is an entry in ClinVar:

NM_001283009.2(RTEL1):c.3481C>T (p.His1161Tyr)

Genes: RTEL1 (regulator of telomere elongation helicase 1; plus strand), RTEL1-TNFRSF6B (RTEL1-TNFRSF6B readthrough (NMD candidate); plus strand). Cytogenetic location: 20q13.33.
Variant type: single nucleotide variant.
Coding change: c.3481C>T on transcript NM_001283009.2 (MANE Select); coding-DNA position 3481, C replaced by T.
Protein change: p.His1161Tyr; replaces histidine 1161 with tyrosine.
Molecular consequence: missense variant. On other transcripts: non-coding transcript variant (1).
Genome position (GRCh38, 1-based): chr20:63,695,203, C>T. VCF-style: chr20-63695203-C-T. GRCh37 (hg19) VCF-style: chr20-62326556-C-T.
Other names: c.2812C>T, p.His938Tyr (NM_001283010.1); c.3481C>T, p.His1161Tyr (NM_016434.4); c.3553C>T, p.His1185Tyr (NM_032957.5); short protein forms H1161Y, H1185Y, H938Y.
Identifiers: ClinVar variation 4863545 (VCV004863545.1).
Genomic context (GRCh38, chr20:63,695,203, plus strand): 5'-CCGGGCATGGAGCCACCGGGACCCCAGGAGGAGAGGCTTGCCGTGCCTCCTGTGCTTACC[C>T]ACAGGGCTCCCCAACCAGGTAGGGCACCTGCCTGGCTGCTCCTGGCAGCGCCCCAACCGC-3'
Protein context (NP_001269938.1, residues 1151-1171): ERLAVPPVLT[His1161Tyr]RAPQPGPSRS

ClinVar aggregate classification (germline): Uncertain significance (1 of 4 stars; one submission).

Conditions:
Inborn genetic diseases. Identifiers: MedGen C0950123, MeSH D030342.

Submission:

Ambry Genetics
Classification: Uncertain significance for Inborn genetic diseases. Last evaluated: 2026-04-08. Review status: criteria provided, single submitter. Criteria: Ambry Variant Classification Scheme 2023. Collection method: clinical testing. Allele origin: germline.
Comment: The p.H1161Y variant (also known as c.3481C>T), located in coding exon 32 of the RTEL1 gene, results from a C to T substitution at nucleotide position 3481. The histidine at codon 1161 is replaced by tyrosine, an amino acid with similar properties. This amino acid position is conserved. In addition, this alteration is predicted to be tolerated by in silico analysis. Based on the available evidence, the clinical significance of this variant remains unclear.